The following is an entry in ClinVar:

NM_002519.3(NPAT):c.620C>T (p.Ser207Phe)

Gene: NPAT (nuclear protein, coactivator of histone transcription; minus strand). Cytogenetic location: 11q22.3.
Variant type: single nucleotide variant.
Coding change: c.620C>T on transcript NM_002519.3 (MANE Select); coding-DNA position 620, C replaced by T.
Protein change: p.Ser207Phe; replaces serine 207 with phenylalanine.
Molecular consequence: missense variant.
Genome position (GRCh38, 1-based): chr11:108,188,116, G>A on the plus strand (C>T on the coding strand, the complement: NPAT is on the minus strand). VCF-style: chr11-108188116-G-A. GRCh37 (hg19) VCF-style: chr11-108058843-G-A.
Other names: c.620C>T, p.Ser207Phe (NM_001321307.1); short protein forms S207F.
Identifiers: ClinVar variation 3407247 (VCV003407247.1).

ClinVar aggregate classification (germline): Uncertain significance (1 of 4 stars; one submission).

Submission:

Ambry Genetics
Classification: Uncertain significance. Last evaluated: 2024-10-18. Review status: criteria provided, single submitter. Criteria: Ambry Variant Classification Scheme 2023. Collection method: clinical testing. Allele origin: germline.
Comment: The p.S207F variant (also known as c.620C>T), located in coding exon 7 of the NPAT gene, results from a C to T substitution at nucleotide position 620. The serine at codon 207 is replaced by phenylalanine, an amino acid with highly dissimilar properties. This amino acid position is conserved. In addition, the in silico prediction for this alteration is inconclusive. Based on the available evidence, the clinical significance of this variant remains unclear.